The following is an entry in ClinVar:

NM_004813.4(PEX16):c.609C>T (p.His203=)

Gene: PEX16 (peroxisomal biogenesis factor 16; minus strand). Cytogenetic location: 11p11.2.
Variant type: single nucleotide variant.
Coding change: c.609C>T on transcript NM_004813.4 (MANE Select); coding-DNA position 609, C replaced by T.
Protein change: p.His203=; no amino-acid change (histidine 203 retained).
Molecular consequence: synonymous variant.
Genome position (GRCh38, 1-based): chr11:45,914,401, G>A on the plus strand (C>T on the coding strand, the complement: PEX16 is on the minus strand). VCF-style: chr11-45914401-G-A. GRCh37 (hg19) VCF-style: chr11-45935952-G-A.
Other names: c.609C>T, p.His203= (NM_057174.3).
Identifiers: ClinVar variation 304793 (VCV000304793.20), dbSNP rs537046144, ClinGen allele CA5959902.

ClinVar aggregate classification (germline): Conflicting classifications of pathogenicity. Review status: criteria provided, conflicting classifications (1 of 4 stars). 4 submissions from 4 submitters: Uncertain significance (1); Likely benign (2). 1 of the submissions does not count toward it. Last evaluated 2025-10-01.

Conditions:
PEX16-related disorder. Also called: PEX16-related condition.
Peroxisome biogenesis disorder. Identifiers: Orphanet 79189, MedGen C1832200, MONDO:0019234. Disease mechanism: loss of function.
Peroxisome biogenesis disorder 8A (Zellweger). Also called: Peroxisome biogenesis disorder 8A. Identifiers: Orphanet 912, MedGen C3553959, MONDO:0013942, OMIM 614876.

Allele frequency attached by ClinVar (database versions not stated): gnomAD 0.00002; TOPMed 0.00002.

Submissions (4):

CeGaT Center for Human Genetics Tuebingen
Classification: Likely benign. Last evaluated: 2025-10-01. Review status: criteria provided, single submitter. Criteria: CeGaT Center For Human Genetics Tuebingen Variant Classification Criteria Version 2. Collection method: clinical testing. Allele origin: germline. Affected: yes. Observed: 1 variant allele.
Comment: PEX16: BP4, BP7

Labcorp Genetics (formerly Invitae), Labcorp
Classification: Likely benign for Peroxisome biogenesis disorder. Last evaluated: 2025-09-02. Review status: criteria provided, single submitter. Criteria: Invitae Variant Classification Sherloc (09022015). Collection method: clinical testing. Allele origin: germline.

Illumina Laboratory Services, Illumina
Classification: Uncertain significance for Peroxisome biogenesis disorder 8A (Zellweger). Last evaluated: 2018-01-13. Review status: criteria provided, single submitter. Criteria: ICSL Variant Classification Criteria 13 December 2019. Collection method: clinical testing. Allele origin: germline.

PreventionGenetics, part of Exact Sciences
Classification: Likely benign for PEX16-related condition. Last evaluated: 2024-06-01. Review status: no assertion criteria provided. Collection method: clinical testing. Allele origin: germline. Not counted in ClinVar's aggregate classification.
Comment: This variant is classified as likely benign based on ACMG/AMP sequence variant interpretation guidelines (Richards et al. 2015 PMID: 25741868, with internal and published modifications).